The following is an entry in ClinVar:

ClinVar aggregate classification (germline): Uncertain significance (1 of 4 stars; one submission).

Submission:

GeneDx
Classification: Uncertain significance. Last evaluated: 2023-01-19. Review status: criteria provided, single submitter. Criteria: GeneDx Variant Classification Process June 2021. Collection method: clinical testing. Allele origin: germline. Affected: yes.
Comment: Not observed at significant frequency in large population cohorts (gnomAD); Frameshift variant predicted to result in protein truncation in a gene or region of a gene for which loss of function is not a well-established mechanism of disease; Has not been previously published as pathogenic or benign to our knowledge; Variants in candidate genes are classified as variants of uncertain significance in accordance with ACMG guidelines (Richards et al., 2015)

NM_024721.5(ZFHX4):c.9197_9303del (p.Arg3066fs)

Gene: ZFHX4 (zinc finger homeobox 4; plus strand). Cytogenetic location: 8q21.13.
Variant type: Deletion.
Coding change: c.9197_9303del on transcript NM_024721.5 (MANE Select); coding-DNA positions 9197 to 9303, 107 bases deleted.
Protein change: p.Arg3066fs; shifts the reading frame from arginine 3066.
Molecular consequence: frameshift variant.
Genome position (GRCh38, 1-based): chr8:76,856,118-76,856,224, 107 bases deleted. GRCh37 (hg19): chr8:77,768,354-77,768,460.
Other names: c.9119_9225del, p.Arg3040fs (NM_001410934.1); short protein forms R3040fs, R3066fs.
Identifiers: ClinVar variation 3900283 (VCV003900283.1).